The following is an entry in ClinVar:

ClinVar aggregate classification (germline): Uncertain significance. Review status: criteria provided, multiple submitters, no conflicts (2 of 4 stars). 3 submissions from 3 submitters: Uncertain significance (3). Last evaluated 2025-01-21.

Conditions:
POLD1-related polyposis and colorectal cancer syndrome (CRCS10). Also called: Colorectal cancer, susceptibility to, 10; Colorectal cancer 10; COLORECTAL CANCER, SUSCEPTIBILITY TO, ON CHROMOSOME 19q. Identifiers: Orphanet 220460, MedGen C2675481, MONDO:0012953, OMIM 612591.
Hereditary cancer-predisposing syndrome. Also called: Hereditary Cancer Syndrome; Hereditary neoplastic syndrome; Neoplastic Syndromes, Hereditary; Tumor predisposition. Identifiers: Orphanet 140162, MedGen C0027672, MeSH D009386, MONDO:0015356.

gnomAD v4.1: 3 of 1,614,038 alleles (0.00019%); highest among the groups gnomAD compares: Non-Finnish European, 0.00025%; no homozygotes.

Submissions (3):

Labcorp Genetics (formerly Invitae), Labcorp
Classification: Uncertain significance for POLD1-related polyposis and colorectal cancer syndrome. Last evaluated: 2025-01-21. Review status: criteria provided, single submitter. Criteria: Invitae Variant Classification Sherloc (09022015). Collection method: clinical testing. Allele origin: germline.
Comment: This sequence change replaces arginine, which is basic and polar, with tryptophan, which is neutral and slightly polar, at codon 443 of the POLD1 protein (p.Arg443Trp). This variant is not present in population databases (gnomAD no frequency). This variant has not been reported in the literature in individuals affected with POLD1-related conditions. ClinVar contains an entry for this variant (Variation ID: 2560441). Invitae Evidence Modeling of protein sequence and biophysical properties (such as structural, functional, and spatial information, amino acid conservation, physicochemical variation, residue mobility, and thermodynamic stability) indicates that this missense variant is not expected to disrupt POLD1 protein function with a negative predictive value of 80%. In summary, the available evidence is currently insufficient to determine the role of this variant in disease. Therefore, it has been classified as a Variant of Uncertain Significance.

Baylor Genetics
Classification: Uncertain significance for POLD1-related polyposis and colorectal cancer syndrome. Last evaluated: 2024-03-01. Review status: criteria provided, single submitter. Criteria: ACMG Guidelines, 2015. Collection method: clinical testing. Allele origin: unknown.

Ambry Genetics
Classification: Uncertain significance for Hereditary cancer-predisposing syndrome. Last evaluated: 2023-05-31. Review status: criteria provided, single submitter. Criteria: Ambry Variant Classification Scheme 2023. Collection method: clinical testing. Allele origin: germline.
Comment: The p.R443W variant (also known as c.1327C>T), located in coding exon 10 of the POLD1 gene, results from a C to T substitution at nucleotide position 1327. The arginine at codon 443 is replaced by tryptophan, an amino acid with dissimilar properties. This amino acid position is conserved. In addition, the in silico prediction for this alteration is inconclusive. Since supporting evidence is limited at this time, the clinical significance of this alteration remains unclear.

NM_002691.4(POLD1):c.1327C>T (p.Arg443Trp)

Gene: POLD1 (DNA polymerase delta 1, catalytic subunit; plus strand). Cytogenetic location: 19q13.33.
Variant type: single nucleotide variant.
Coding change: c.1327C>T on transcript NM_002691.4 (MANE Select); coding-DNA position 1327, C replaced by T.
Protein change: p.Arg443Trp; replaces arginine 443 with tryptophan.
Molecular consequence: missense variant. On other transcripts: non-coding transcript variant (1).
Genome position (GRCh38, 1-based): chr19:50,406,266, C>T. VCF-style: chr19-50406266-C-T. GRCh37 (hg19) VCF-style: chr19-50909523-C-T.
Other names: c.1327C>T, p.Arg443Trp (NM_001256849.1, NM_001308632.1); short protein forms R443W.
Identifiers: ClinVar variation 2560441 (VCV002560441.6), dbSNP rs1568626243, ClinGen allele CA406979879.
Genomic context (GRCh38, chr19:50,406,266, plus strand): 5'-CGTGTGGCCGGCCTTTGCTCCAACATCCGGGACTCTTCATTCCAGTCCAAGCAGACGGGC[C>T]GGCGGGACACCAAGGTTGTCAGCATGGTGGGCCGCGTGCAGATGGACATGCTGCAGGTAT-3'
Protein context (NP_002682.2, residues 433-453): DSSFQSKQTG[Arg443Trp]RDTKVVSMVG